The following is an entry in ClinVar:

ClinVar aggregate classification (germline): Conflicting classifications of pathogenicity. Review status: criteria provided, conflicting classifications (1 of 4 stars). 3 submissions from 3 submitters: Uncertain significance (2); Likely benign (1). Last evaluated 2025-05-25.

Conditions:
Inborn genetic diseases. Identifiers: MedGen C0950123, MeSH D030342.

Allele frequency attached by ClinVar (database versions not stated): gnomAD 0.00001; TOPMed 0.00001; ExAC 0.00002; gnomAD exomes 0.00002 and 0.00003.
gnomAD v4.1: 53 of 1,614,156 alleles (0.0033%); highest among the groups gnomAD compares: Middle Eastern, 0.082%; no homozygotes.

Submissions (3):

Ambry Genetics
Classification: Likely benign for Inborn genetic diseases. Last evaluated: 2025-05-25. Review status: criteria provided, single submitter. Criteria: Ambry Variant Classification Scheme 2023. Collection method: clinical testing. Allele origin: germline.

Labcorp Genetics (formerly Invitae), Labcorp
Classification: Uncertain significance. Last evaluated: 2023-07-17. Review status: criteria provided, single submitter. Criteria: Invitae Variant Classification Sherloc (09022015). Collection method: clinical testing. Allele origin: germline.
Comment: Advanced modeling of protein sequence and biophysical properties (such as structural, functional, and spatial information, amino acid conservation, physicochemical variation, residue mobility, and thermodynamic stability) performed at Invitae indicates that this missense variant is not expected to disrupt RBBP8 protein function. ClinVar contains an entry for this variant (Variation ID: 1489580). This variant has not been reported in the literature in individuals affected with RBBP8-related conditions. This variant is present in population databases (rs751482231, gnomAD 0.01%). This sequence change replaces isoleucine, which is neutral and non-polar, with valine, which is neutral and non-polar, at codon 603 of the RBBP8 protein (p.Ile603Val). In summary, the available evidence is currently insufficient to determine the role of this variant in disease. Therefore, it has been classified as a Variant of Uncertain Significance.

Breakthrough Genomics
Classification: Uncertain significance. Review status: criteria provided, single submitter. Criteria: ACMG Guidelines, 2015. Collection method: not provided. Allele origin: germline. Inheritance: Autosomal recessive inheritance. Affected: yes.

NM_002894.3(RBBP8):c.1807A>G (p.Ile603Val)

Gene: RBBP8 (RB binding protein 8, endonuclease; plus strand). Cytogenetic location: 18q11.2.
Variant type: single nucleotide variant.
Coding change: c.1807A>G on transcript NM_002894.3 (MANE Select); coding-DNA position 1807, A replaced by G.
Protein change: p.Ile603Val; replaces isoleucine 603 with valine.
Molecular consequence: missense variant.
Genome position (GRCh38, 1-based): chr18:22,993,634, A>G. VCF-style: chr18-22993634-A-G. GRCh37 (hg19) VCF-style: chr18-20573597-A-G.
Other names: c.1807A>G, p.Ile603Val (NM_203291.2, NM_203292.2); c.1807A>G (NM_002894.2); short protein forms I603V.
Identifiers: ClinVar variation 1489580 (VCV001489580.8), dbSNP rs751482231, ClinGen allele CA8910134.